The following is an entry in ClinVar:

ClinVar aggregate classification (germline): Benign/Likely benign. Review status: criteria provided, multiple submitters, no conflicts (2 of 4 stars). 3 submissions from 3 submitters: Benign (1); Likely benign (2). Last evaluated 2025-05-02.

Conditions:
Hereditary cancer-predisposing syndrome. Also called: Neoplastic Syndromes, Hereditary; Hereditary neoplastic syndrome; Tumor predisposition; Hereditary Cancer Syndrome. Identifiers: Orphanet 140162, MedGen C0027672, MeSH D009386, MONDO:0015356.
Tuberous sclerosis 2 (TSC2). Identifiers: Orphanet 805, MedGen C1860707, MONDO:0013199, OMIM 613254.

Submissions (3):

Myriad Genetics, Inc.
Classification: Benign for Tuberous sclerosis 2. Last evaluated: 2025-05-02. Review status: criteria provided, single submitter. Criteria: Myriad Autosomal Dominant, Autosomal Recessive and X-Linked Classification Criteria (2023). Collection method: clinical testing. Allele origin: unknown.
Comment: This variant is considered benign. This variant is a silent/synonymous amino acid change and it is not expected to impact splicing.

Labcorp Genetics (formerly Invitae), Labcorp
Classification: Likely benign for Tuberous sclerosis 2. Last evaluated: 2024-10-29. Review status: criteria provided, single submitter. Criteria: Invitae Variant Classification Sherloc (09022015). Collection method: clinical testing. Allele origin: germline.

Ambry Genetics
Classification: Likely benign for Hereditary cancer-predisposing syndrome. Last evaluated: 2024-06-28. Review status: criteria provided, single submitter. Criteria: Ambry Variant Classification Scheme 2023. Collection method: clinical testing. Allele origin: germline.

NM_000548.5(TSC2):c.198A>G (p.Glu66=)

Gene: TSC2 (TSC complex subunit 2; plus strand). Cytogenetic location: 16p13.3.
Variant type: single nucleotide variant.
Coding change: c.198A>G on transcript NM_000548.5 (MANE Select); coding-DNA position 198, A replaced by G.
Protein change: p.Glu66=; no amino-acid change (glutamic acid 66 retained).
Molecular consequence: synonymous variant. On other transcripts: 5 prime UTR variant (1).
Genome position (GRCh38, 1-based): chr16:2,050,459, A>G. VCF-style: chr16-2050459-A-G. GRCh37 (hg19) VCF-style: chr16-2100460-A-G.
Other names: c.198A>G, p.Glu66= (NM_001077183.3, NM_001114382.3, NM_001318827.2 and 4 more transcripts); c.51A>G, p.Glu17= (NM_001318829.2); c.-29A>G (NM_001318831.2); c.231A>G, p.Glu77= (NM_001318832.2).
Identifiers: ClinVar variation 793109 (VCV000793109.11), dbSNP rs1596245865, ClinGen allele CA492954905.